The following is an entry in ClinVar:

NM_000135.4(FANCA):c.3416T>A (p.Leu1139Gln)

Gene: FANCA (FA complementation group A; minus strand). Cytogenetic location: 16q24.3.
Variant type: single nucleotide variant.
Coding change: c.3416T>A on transcript NM_000135.4 (MANE Select); coding-DNA position 3416, T replaced by A.
Protein change: p.Leu1139Gln; replaces leucine 1139 with glutamine.
Molecular consequence: missense variant.
Genome position (GRCh38, 1-based): chr16:89,746,681, A>T on the plus strand (T>A on the coding strand, the complement: FANCA is on the minus strand). VCF-style: chr16-89746681-A-T. GRCh37 (hg19) VCF-style: chr16-89813089-A-T.
Other names: c.3416T>A, p.Leu1139Gln (NM_001286167.3); short protein forms L1139Q.
Identifiers: ClinVar variation 1050594 (VCV001050594.1), dbSNP rs2143106961, ClinGen allele CA397486010.

ClinVar aggregate classification (germline): Uncertain significance (0 of 4 stars; one submission).

Submission:

Department of Pathology and Laboratory Medicine, Sinai Health System
Classification: Uncertain significance. Review status: no assertion criteria provided. Collection method: clinical testing. Allele origin: unknown. Affected: yes. Study: The Canadian Open Genetics Repository (COGR).
Comment: The FANCA p.Leu1139Gln variant was not identified in the literature nor was it identified in dbSNP, ClinVar, Cosmic or in the following control databases: the 1000 Genomes Project, the NHLBI GO Exome Sequencing Project, or the Genome Aggregation Database (March 6, 2019, v2.1.1). The p.Leu1139 residue is conserved in mammals but not in more distantly related organisms, and four out of five computational analyses (PolyPhen-2, SIFT, AlignGVGD, BLOSUM, MutationTaster) suggest that the variant may impact the protein; however, this information is not predictive enough to assume pathogenicity. The variant occurs outside of the splicing consensus sequence and in silico or computational prediction software programs (SpliceSiteFinder, MaxEntScan, NNSPLICE, GeneSplicer) do not predict a difference in splicing. In summary, based on the above information the clinical significance of this variant cannot be determined with certainty at this time. This variant is classified as a variant of uncertain significance.